The following is an entry in ClinVar:

ClinVar aggregate classification (germline): Uncertain significance (1 of 4 stars; one submission).

Conditions:
Hereditary cancer-predisposing syndrome. Also called: Hereditary Cancer Syndrome; Hereditary neoplastic syndrome; Neoplastic Syndromes, Hereditary; Tumor predisposition. Identifiers: Orphanet 140162, MedGen C0027672, MeSH D009386, MONDO:0015356.

Submission:

Ambry Genetics
Classification: Uncertain significance for Hereditary cancer-predisposing syndrome. Last evaluated: 2022-08-09. Review status: criteria provided, single submitter. Criteria: Ambry Variant Classification Scheme 2023. Collection method: clinical testing. Allele origin: germline.
Comment: The p.G1961A variant (also known as c.5882G>C), located in coding exon 43 of the POLE gene, results from a G to C substitution at nucleotide position 5882. The glycine at codon 1961 is replaced by alanine, an amino acid with similar properties. This amino acid position is conserved. In addition, this alteration is predicted to be tolerated by in silico analysis. Since supporting evidence is limited at this time, the clinical significance of this alteration remains unclear.

NM_006231.4(POLE):c.5882G>C (p.Gly1961Ala)

Gene: POLE (DNA polymerase epsilon, catalytic subunit; minus strand). Cytogenetic location: 12q24.33.
Variant type: single nucleotide variant.
Coding change: c.5882G>C on transcript NM_006231.4 (MANE Select); coding-DNA position 5882, G replaced by C.
Protein change: p.Gly1961Ala; replaces glycine 1961 with alanine.
Molecular consequence: missense variant.
Genome position (GRCh38, 1-based): chr12:132,634,308, C>G on the plus strand (G>C on the coding strand, the complement: POLE is on the minus strand). VCF-style: chr12-132634308-C-G. GRCh37 (hg19) VCF-style: chr12-133210894-C-G.
Other names: short protein forms G1961A.
Identifiers: ClinVar variation 1750275 (VCV001750275.2), dbSNP rs2041992812, ClinGen allele CA387371677.
Genomic context (GRCh38, chr12:132,634,308, plus strand): 5'-TTCCAGTTGTTTTCCAGTAAATCCTCCACGTTGGATTCCTCCGCCTCTTCCTCCTCCTCC[C>G]CATCTCTTTCCTCCTCATCGTCCTCATTTTCCTGCTCATCCTCTGCTCCCCCTGCTTTCT-3'
Protein context (NP_006222.2, residues 1951-1971): ENEDDEEERD[Gly1961Ala]EEEEEAEESN